The following is an entry in ClinVar:

ClinVar aggregate classification (germline): Conflicting classifications of pathogenicity. Review status: criteria provided, conflicting classifications (1 of 4 stars). 6 submissions from 5 submitters: Uncertain significance (3); Likely benign (2). 1 of the submissions does not count toward it. Last evaluated 2026-01-28.

Conditions:
Autosomal recessive nonsyndromic hearing loss 12. Also called: DEAFNESS, AUTOSOMAL RECESSIVE 12. Identifiers: Orphanet 90636, MedGen C1832394, MONDO:0011067, OMIM 601386.
Usher syndrome type 1D (USH1D). Also called: USHER SYNDROME, TYPE ID. Identifiers: Orphanet 231169, Orphanet 886, MedGen C1832845, MONDO:0010984, OMIM 601067.
CDH23-related disorder. Also called: CDH23-related disorders; CDH23-related condition.

Allele frequency attached by ClinVar (database versions not stated): ESP Exome Variant Server 0.00008; gnomAD 0.00009; TOPMed 0.00014; ExAC 0.00017; gnomAD exomes 0.00023.
gnomAD v4.1: 206 of 1,612,142 alleles (0.013%); highest among the groups gnomAD compares: Admixed American, 0.023%; no homozygotes.

Submissions (6):

Labcorp Genetics (formerly Invitae), Labcorp
Classification: Likely benign. Last evaluated: 2026-01-28. Review status: criteria provided, single submitter. Criteria: Invitae Variant Classification Sherloc (09022015). Collection method: clinical testing. Allele origin: germline.

GeneDx
Classification: Uncertain significance. Last evaluated: 2025-09-23. Review status: criteria provided, single submitter. Criteria: GeneDx Variant Classification Process June 2021. Collection method: clinical testing. Allele origin: germline. Affected: yes.
Comment: Identified in the heterozygous state in an individual with Usher syndrome type 1 who was homozygous for a different variant in the CDH23 gene (PMID: 25468891); In silico analysis supports that this missense variant has a deleterious effect on protein structure/function; This variant is associated with the following publications: (PMID: 25468891)

Blueprint Genetics
Classification: Likely benign. Last evaluated: 2024-07-31. Review status: criteria provided, single submitter. Criteria: ACMG Guidelines, 2015. Collection method: clinical testing. Allele origin: germline.

Illumina Laboratory Services, Illumina
Classification: Uncertain significance for Autosomal recessive nonsyndromic hearing loss 12. Last evaluated: 2018-01-12. Review status: criteria provided, single submitter. Criteria: ICSL Variant Classification Criteria 13 December 2019. Collection method: clinical testing. Allele origin: germline.

Illumina Laboratory Services, Illumina
Classification: Uncertain significance for Usher syndrome type 1D. Last evaluated: 2018-01-12. Review status: criteria provided, single submitter. Criteria: ICSL Variant Classification Criteria 13 December 2019. Collection method: clinical testing. Allele origin: germline.

PreventionGenetics, part of Exact Sciences
Classification: Likely benign for CDH23-related condition. Last evaluated: 2024-09-03. Review status: no assertion criteria provided. Collection method: clinical testing. Allele origin: germline. Not counted in ClinVar's aggregate classification.
Comment: This variant is classified as likely benign based on ACMG/AMP sequence variant interpretation guidelines (Richards et al. 2015 PMID: 25741868, with internal and published modifications).

NM_022124.6(CDH23):c.7999G>C (p.Asp2667His)

Genes: CDH23 (cadherin related 23; plus strand), LOC111982869 (Sharpr-MPRA regulatory region 2121; plus strand). Cytogenetic location: 10q22.1.
Variant type: single nucleotide variant.
Coding change: c.7999G>C on transcript NM_022124.6 (MANE Select); coding-DNA position 7999, G replaced by C.
Protein change: p.Asp2667His; replaces aspartic acid 2667 with histidine.
Molecular consequence: missense variant.
Genome position (GRCh38, 1-based): chr10:71,805,932, G>C. VCF-style: chr10-71805932-G-C. GRCh37 (hg19) VCF-style: chr10-73565689-G-C.
Other names: c.1279G>C, p.Asp427His (NM_001171933.1, NM_001171934.1); short protein forms D2667H, D427H.
Identifiers: ClinVar variation 300459 (VCV000300459.24), dbSNP rs200251748, ClinGen allele CA5546501.
Genomic context (GRCh38, chr10:71,805,932, plus strand): 5'-GCGGTGCGCTACAGCTTCCTGAAGACTGCGGGCAACCGGGACTGGGAGTTCTTCATCATC[G>C]ACCCAATCAGCGGCCTCATCCAGACTGCTCAGCGCCTGGACCGCGAGTCGCAGGCGGTGT-3'
Protein context (NP_071407.4, residues 2657-2677): GNRDWEFFII[Asp2667His]PISGLIQTAQ